The following is an entry in ClinVar:

NM_015338.6(ASXL1):c.375A>G (p.Val125=)

Gene: ASXL1 (ASXL transcriptional regulator 1; plus strand). Cytogenetic location: 20q11.21.
Variant type: single nucleotide variant.
Coding change: c.375A>G on transcript NM_015338.6 (MANE Select); coding-DNA position 375, A replaced by G.
Protein change: p.Val125=; no amino-acid change (valine 125 retained).
Molecular consequence: synonymous variant.
Genome position (GRCh38, 1-based): chr20:32,428,326, A>G. VCF-style: chr20-32428326-A-G. GRCh37 (hg19) VCF-style: chr20-31016129-A-G.
Other names: c.345A>G, p.Val115= (NM_001363734.1); c.375A>G (NM_015338.5).
Identifiers: ClinVar variation 1456009 (VCV001456009.11), dbSNP rs755203412, ClinGen allele CA9808076.
Genomic context (GRCh38, chr20:32,428,326, plus strand): 5'-GATGGGTGAGGGAGCCACAGCAGGCACTAGGGACTAACCTTTATTTTCCTCTCTTCCAGT[A>G]TCTCTTGATGAAACATCTTCGAACGCATCCTGTTCTACAGAATCTCAGAGTCGACCTCTT-3'
Protein context (NP_056153.2, residues 115-135): EASTVSGEND[Val125=]SLDETSSNAS

ClinVar aggregate classification (germline): Likely benign. Review status: criteria provided, multiple submitters, no conflicts (2 of 4 stars). 3 submissions from 3 submitters: Likely benign (2). 1 of the submissions does not count toward it. Last evaluated 2025-10-20.

Conditions:
ASXL1-related disorder. Also called: ASXL1-related condition; ASXL1-related disorders.
Inborn genetic diseases. Identifiers: MedGen C0950123, MeSH D030342.

Allele frequency attached by ClinVar (database versions not stated): gnomAD 0.00007; gnomAD exomes 0.00008 and 0.00009; TOPMed 0.00010; ExAC 0.00016.
gnomAD v4.1: 130 of 1,614,084 alleles (0.0081%); highest among the groups gnomAD compares: Non-Finnish European, 0.01%; no homozygotes.

Submissions (3):

Labcorp Genetics (formerly Invitae), Labcorp
Classification: Likely benign. Last evaluated: 2025-10-20. Review status: criteria provided, single submitter. Criteria: Invitae Variant Classification Sherloc (09022015). Collection method: clinical testing. Allele origin: germline.

Ambry Genetics
Classification: Likely benign for Inborn genetic diseases. Last evaluated: 2024-11-18. Review status: criteria provided, single submitter. Criteria: Ambry Variant Classification Scheme 2023. Collection method: clinical testing. Allele origin: germline.

PreventionGenetics, part of Exact Sciences
Classification: Likely benign for ASXL1-related condition. Last evaluated: 2019-03-15. Review status: no assertion criteria provided. Collection method: clinical testing. Allele origin: germline. Not counted in ClinVar's aggregate classification.
Comment: This variant is classified as likely benign based on ACMG/AMP sequence variant interpretation guidelines (Richards et al. 2015 PMID: 25741868, with internal and published modifications).